The following is an entry in ClinVar:

NM_000642.3(AGL):c.2670del (p.Pro891fs)

Gene: AGL (amylo-alpha-1,6-glucosidase and 4-alpha-glucanotransferase; plus strand). Cytogenetic location: 1p21.2.
Variant type: Deletion.
Coding change: c.2670del on transcript NM_000642.3 (MANE Select); coding-DNA position 2670, one base deleted (T; older notation c.2670delT).
Protein change: p.Pro891fs; shifts the reading frame from proline 891.
Molecular consequence: frameshift variant.
Genome position (GRCh38, 1-based): chr1:99,884,692, T deleted; the last of 2 consecutive T bases (chr1:99,884,691-99,884,692); deleting either gives the same sequence. VCF-style (leftmost placement, unchanged base first): chr1-99884690-AT-A. GRCh37 (hg19) VCF-style: chr1-100350246-AT-A.
Other names: c.2670del (NM_000642.2); c.2670delT, p.Pro891Leufs (NM_000028.3, NM_000643.3, NM_000644.3 and 2 more transcripts); c.2622delT, p.Pro875Leufs (NM_000646.3); c.2469delT, p.Pro824Leufs (NM_001425327.1); c.2466delT, p.Pro823Leufs (NM_001425328.1); c.2292delT, p.Pro765Leufs (NM_001425332.1); short protein forms P875fs, P891fs.
Identifiers: ClinVar variation 546284 (VCV000546284.15), dbSNP rs764591009, ClinGen allele CA966849.
Genomic context (GRCh38, chr1:99,884,690, plus strand): 5'-TTCAGTCCTCACTTTAAATCTGGCAGCCTAGCTGTTGACAATGCAGATCCTATATTAAAA[AT>A]TCCTTTTGCTTCGTAAGTATGCCTTGTTTGGTAGAGATTTGCCACCTTAATAAGTAAGTT-3'

ClinVar aggregate classification (germline): Pathogenic/Likely pathogenic. Review status: criteria provided, multiple submitters, no conflicts (2 of 4 stars). 5 submissions from 5 submitters: Pathogenic (4); Likely pathogenic (1). Last evaluated 2026-09-05.

Conditions:
Glycogen storage disease type III (GSD3). Also called: Cori disease; FORBES DISEASE. Identifiers: Orphanet 366, MedGen C0017922, MONDO:0009291, OMIM 232400.

Submissions (5):

GeneDx
Classification: Pathogenic. Last evaluated: 2026-09-05. Review status: criteria provided, single submitter. Criteria: GeneDx Variant Classification Process June 2021. Collection method: clinical testing. Allele origin: germline.
Comment: Frameshift variant predicted to result in protein truncation or nonsense mediated decay in a gene for which loss of function is a known mechanism of disease; Not observed at significant frequency in large population cohorts (gnomAD); Has not been previously published as pathogenic or benign to our knowledge

Labcorp Genetics (formerly Invitae), Labcorp
Classification: Pathogenic for Glycogen storage disease type III. Last evaluated: 2026-01-14. Review status: criteria provided, single submitter. Criteria: Invitae Variant Classification Sherloc (09022015). Collection method: clinical testing. Allele origin: germline.
Comment: This sequence change creates a premature translational stop signal (p.Pro891Leufs*9) in the AGL gene. It is expected to result in an absent or disrupted protein product. Loss-of-function variants in AGL are known to be pathogenic (PMID: 19299494). This variant is present in population databases (rs764591009, gnomAD 0.007%). This variant has not been reported in the literature in individuals affected with AGL-related conditions. ClinVar contains an entry for this variant (Variation ID: 546284). For these reasons, this variant has been classified as Pathogenic.

Baylor Genetics
Classification: Pathogenic for Glycogen storage disease type III. Last evaluated: 2023-06-19. Review status: criteria provided, single submitter. Criteria: ACMG Guidelines, 2015. Collection method: clinical testing. Allele origin: unknown.

Fulgent Genetics
Classification: Likely pathogenic for Glycogen storage disease type III. Last evaluated: 2021-11-10. Review status: criteria provided, single submitter. Criteria: ACMG Guidelines, 2015. Collection method: clinical testing. Allele origin: unknown.

Genome-Nilou Lab
Classification: Pathogenic for Glycogen storage disease type III. Last evaluated: 2021-07-15. Review status: criteria provided, single submitter. Criteria: ACMG Guidelines, 2015. Collection method: clinical testing. Allele origin: germline. Affected: no.

Literature cited by the submitters: PubMed 19299494 (cited by Labcorp Genetics (formerly Invitae), Labcorp).